The following is an entry in ClinVar:

ClinVar aggregate classification (germline): Uncertain significance (1 of 4 stars; one submission).

Allele frequency attached by ClinVar (database versions not stated): gnomAD 0.00001.

Submission:

Ambry Genetics
Classification: Uncertain significance. Last evaluated: 2021-08-24. Review status: criteria provided, single submitter. Criteria: Ambry Variant Classification Scheme 2023. Collection method: clinical testing. Allele origin: germline.
Comment: The p.P71S variant (also known as c.211C>T), located in coding exon 1 of the GALNT12 gene, results from a C to T substitution at nucleotide position 211. The proline at codon 71 is replaced by serine, an amino acid with similar properties. This amino acid position is conserved. In addition, this alteration is predicted to be tolerated by in silico analysis. Since supporting evidence is limited at this time, the clinical significance of this alteration remains unclear.

NM_024642.5(GALNT12):c.211C>T (p.Pro71Ser)

Gene: GALNT12 (polypeptide N-acetylgalactosaminyltransferase 12; plus strand). Cytogenetic location: 9q22.33.
Variant type: single nucleotide variant.
Coding change: c.211C>T on transcript NM_024642.5 (MANE Select); coding-DNA position 211, C replaced by T.
Protein change: p.Pro71Ser; replaces proline 71 with serine.
Molecular consequence: missense variant.
Genome position (GRCh38, 1-based): chr9:98,807,909, C>T. VCF-style: chr9-98807909-C-T. GRCh37 (hg19) VCF-style: chr9-101570191-C-T.
Other names: short protein forms P71S.
Identifiers: ClinVar variation 1786225 (VCV001786225.2), dbSNP rs1301261419, ClinGen allele CA374222532.